The following is an entry in ClinVar:

ClinVar aggregate classification (germline): Uncertain significance (1 of 4 stars; one submission).

gnomAD v4.1: 3 of 1,613,988 alleles (0.00019%); highest among the groups gnomAD compares: East Asian, 0.0022%; no homozygotes.

Submission:

Labcorp Genetics (formerly Invitae), Labcorp
Classification: Uncertain significance. Last evaluated: 2023-07-19. Review status: criteria provided, single submitter. Criteria: Invitae Variant Classification Sherloc (09022015). Collection method: clinical testing. Allele origin: germline.
Comment: This variant is present in population databases (no rsID available, gnomAD 0.0009%). This sequence change replaces alanine, which is neutral and non-polar, with glycine, which is neutral and non-polar, at codon 53 of the NSUN3 protein (p.Ala53Gly). This variant has not been reported in the literature in individuals affected with NSUN3-related conditions. An algorithm developed to predict the effect of missense changes on protein structure and function (PolyPhen-2) suggests that this variant is likely to be disruptive. In summary, the available evidence is currently insufficient to determine the role of this variant in disease. Therefore, it has been classified as a Variant of Uncertain Significance.

NM_022072.5(NSUN3):c.158C>G (p.Ala53Gly)

Gene: NSUN3 (NOP2/Sun RNA methyltransferase 3; plus strand). Cytogenetic location: 3q11.2.
Variant type: single nucleotide variant.
Coding change: c.158C>G on transcript NM_022072.5 (MANE Select); coding-DNA position 158, C replaced by G.
Protein change: p.Ala53Gly; replaces alanine 53 with glycine.
Molecular consequence: missense variant.
Genome position (GRCh38, 1-based): chr3:94,084,142, C>G. VCF-style: chr3-94084142-C-G. GRCh37 (hg19) VCF-style: chr3-93802986-C-G.
Other names: short protein forms A53G.
Identifiers: ClinVar variation 2716819 (VCV002716819.3), dbSNP rs1419219290, ClinGen allele CA353704294.